The following is an entry in ClinVar:

NM_000358.3(TGFBI):c.1954G>C (p.Glu652Gln)

Gene: TGFBI (transforming growth factor beta induced; plus strand). Cytogenetic location: 5q31.1.
Variant type: single nucleotide variant.
Coding change: c.1954G>C on transcript NM_000358.3 (MANE Select); coding-DNA position 1954, G replaced by C.
Protein change: p.Glu652Gln; replaces glutamic acid 652 with glutamine.
Molecular consequence: missense variant.
Genome position (GRCh38, 1-based): chr5:136,061,547, G>C. VCF-style: chr5-136061547-G-C. GRCh37 (hg19) VCF-style: chr5-135397236-G-C.
Other names: NC_000005.9:g.135397236G>C; short protein forms E652Q.
Identifiers: ClinVar variation 4279757 (VCV004279757.3).

ClinVar aggregate classification (germline): Conflicting classifications of pathogenicity. Review status: criteria provided, conflicting classifications (1 of 4 stars). 2 submissions from 2 submitters: Uncertain significance (1); Likely benign (1). Last evaluated 2025-05-05.

Conditions:
Groenouw corneal dystrophy type I (CDGG1). Also called: GRANULAR CORNEAL DYSTROPHY, TYPE I. Identifiers: Orphanet 98962, MedGen C1641846, MONDO:0007377, OMIM 121900.

gnomAD v4.1: 321 of 1,613,058 alleles (0.02%); highest among the groups gnomAD compares: African/African-American, 0.35%; no homozygotes.

Submissions (3):

Clinical Genomics Laboratory, Washington University in St. Louis
Classification: Uncertain significance for Groenouw corneal dystrophy type I. Last evaluated: 2025-05-05. Review status: criteria provided, single submitter. Criteria: ACMG Guidelines, 2015. Collection method: clinical testing. Allele origin: germline.
Comment: The TGFBI c.1954G>C (p.Glu652Gln) variant, to our knowledge, has not been reported in the medical literature. The highest population minor allele frequency in the population database genome aggregation database (v.2.1.1) is 0.2705% in the African population which is higher than the incidence of corneal dystrophies (Much DC et al., PMID: 21791583). Computational predictors are uncertain as to the impact of this variant on TGFBI function. Due to limited information, and based on ACMG/AMP guidelines for variant interpretation (Richards S et al., PMID: 25741868), the clinical significance of this variant is uncertain at this time.

Labcorp Genetics (formerly Invitae), Labcorp
Classification: Likely benign. Last evaluated: 2025-03-27. Review status: criteria provided, single submitter. Criteria: Invitae Variant Classification Sherloc (09022015). Collection method: clinical testing. Allele origin: germline.

Dr. Peter K. Rogan Lab, Western University
No classification provided (evidence only). Condition: Clear cell carcinoma of kidney. Review status: no classification provided. Collection method: in vitro. Allele origin: not applicable. Functional consequence: retained intron. Not counted in ClinVar's aggregate classification.